The following is an entry in ClinVar:

NM_001353921.2(ARHGEF9):c.788T>C (p.Leu263Pro)

Gene: ARHGEF9 (Cdc42 guanine nucleotide exchange factor 9; minus strand). Cytogenetic location: Xq11.1.
Variant type: single nucleotide variant.
Coding change: c.788T>C on transcript NM_001353921.2 (MANE Select); coding-DNA position 788, T replaced by C.
Protein change: p.Leu263Pro; replaces leucine 263 with proline.
Molecular consequence: missense variant.
Genome position (GRCh38, 1-based): chrX:63,678,367, A>G on the plus strand (T>C on the coding strand, the complement: ARHGEF9 is on the minus strand). VCF-style: chrX-63678367-A-G. GRCh37 (hg19) VCF-style: chrX-62898247-A-G.
Other names: c.608T>C, p.Leu203Pro (NM_001173479.2); c.461T>C, p.Leu154Pro (NM_001173480.2, NM_001369042.1); c.704T>C, p.Leu235Pro (NM_001330495.2, NM_001353927.2, NM_001369033.1 and 8 more transcripts); c.788T>C, p.Leu263Pro (NM_001353922.2); c.806T>C, p.Leu269Pro (NM_001353923.1); c.587T>C, p.Leu196Pro (NM_001353924.2, NM_001353926.2, NM_001369039.1 and 1 more transcripts); c.767T>C, p.Leu256Pro (NM_001353928.2, NM_001369030.1, NM_001369031.1 and 2 more transcripts); c.353T>C, p.Leu118Pro (NM_001369045.1); short protein forms L154P, L256P, L196P, L118P, L263P, L203P, L235P, L269P.
Identifiers: ClinVar variation 661800 (VCV000661800.11), dbSNP rs1602360899, ClinGen allele CA413406280.

ClinVar aggregate classification (germline): Uncertain significance (1 of 4 stars; one submission).

Conditions:
Developmental and epileptic encephalopathy, 8 (DEE8). Also called: HYPEREKPLEXIA AND EPILEPSY. Identifiers: Orphanet 163985, Orphanet 2076, MedGen C1845102, MONDO:0010375, OMIM 300607.

Submission:

Labcorp Genetics (formerly Invitae), Labcorp
Classification: Uncertain significance for Developmental and epileptic encephalopathy, 8. Last evaluated: 2019-04-11. Review status: criteria provided, single submitter. Criteria: Invitae Variant Classification Sherloc (09022015). Collection method: clinical testing. Allele origin: germline.
Comment: This sequence change replaces leucine with proline at codon 256 of the ARHGEF9 protein (p.Leu256Pro). The leucine residue is highly conserved and there is a moderate physicochemical difference between leucine and proline. In summary, the available evidence is currently insufficient to determine the role of this variant in disease. Therefore, it has been classified as a Variant of Uncertain Significance. Algorithms developed to predict the effect of missense changes on protein structure and function are either unavailable or do not agree on the potential impact of this missense change (SIFT: "Deleterious"; PolyPhen-2: "Probably Damaging"; Align-GVGD: "Class C0"). This variant has not been reported in the literature in individuals with ARHGEF9-related conditions. This variant is not present in population databases (ExAC no frequency).